The following is an entry in ClinVar:

ClinVar aggregate classification (germline): Uncertain significance. Review status: criteria provided, single submitter (1 of 4 stars). 2 submissions from 2 submitters: Uncertain significance (1). 1 of the submissions does not count toward it. Last evaluated 2022-07-23.

Conditions:
XYLT2-related disorder. Also called: XYLT2-related condition.

Allele frequency attached by ClinVar (database versions not stated): gnomAD exomes 0.00001; TOPMed 0.00001.
gnomAD v4.1: 4 of 1,564,592 alleles (0.00026%); highest among the groups gnomAD compares: Admixed American, 0.0075%; no homozygotes.

Submissions (2):

Labcorp Genetics (formerly Invitae), Labcorp
Classification: Uncertain significance. Last evaluated: 2022-07-23. Review status: criteria provided, single submitter. Criteria: Invitae Variant Classification Sherloc (09022015). Collection method: clinical testing. Allele origin: germline.
Comment: This sequence change replaces arginine, which is basic and polar, with serine, which is neutral and polar, at codon 48 of the XYLT2 protein (p.Arg48Ser). The frequency data for this variant in the population databases is considered unreliable, as metrics indicate poor data quality at this position in the gnomAD database. This variant has not been reported in the literature in individuals affected with XYLT2-related conditions. Algorithms developed to predict the effect of missense changes on protein structure and function are either unavailable or do not agree on the potential impact of this missense change (SIFT: "Tolerated"; PolyPhen-2: "Possibly Damaging"; Align-GVGD: "Class C0"). In summary, the available evidence is currently insufficient to determine the role of this variant in disease. Therefore, it has been classified as a Variant of Uncertain Significance.

PreventionGenetics, part of Exact Sciences
Classification: Uncertain significance for XYLT2-related condition. Last evaluated: 2024-02-02. Review status: no assertion criteria provided. Collection method: clinical testing. Allele origin: germline. Not counted in ClinVar's aggregate classification.
Comment: The XYLT2 c.144G>T variant is predicted to result in the amino acid substitution p.Arg48Ser. To our knowledge, this variant has not been reported in the literature. This variant is reported in 0.011% of alleles in individuals of Latino descent in gnomAD. At this time, the clinical significance of this variant is uncertain due to the absence of conclusive functional and genetic evidence.

NM_022167.4(XYLT2):c.144G>T (p.Arg48Ser)

Gene: XYLT2 (xylosyltransferase 2; plus strand). Cytogenetic location: 17q21.33.
Variant type: single nucleotide variant.
Coding change: c.144G>T on transcript NM_022167.4 (MANE Select); coding-DNA position 144, G replaced by T.
Protein change: p.Arg48Ser; replaces arginine 48 with serine.
Molecular consequence: missense variant.
Genome position (GRCh38, 1-based): chr17:50,353,638, G>T. VCF-style: chr17-50353638-G-T. GRCh37 (hg19) VCF-style: chr17-48430999-G-T.
Other names: short protein forms R48S.
Identifiers: ClinVar variation 2154838 (VCV002154838.3), dbSNP rs777339294, ClinGen allele CA8646097.